The following is an entry in ClinVar:

ClinVar aggregate classification (germline): Pathogenic (1 of 4 stars; one submission).

Conditions:
Familial thoracic aortic aneurysm and aortic dissection (TAAD). Also called: Thoracic aortic aneurysms and dissections. Identifiers: Orphanet 91387, MedGen C4707243, MONDO:0019625.
Marfan syndrome (MFS). Also called: FBN1-Related Marfan Syndrome; Marfan syndrome type 1; Marfan's syndrome; Marfan syndrome, classic; MARFAN SYNDROME, TYPE I. Identifiers: Orphanet 284963, Orphanet 558, MedGen C0024796, MONDO:0007947, OMIM 154700.

Submission:

Labcorp Genetics (formerly Invitae), Labcorp
Classification: Pathogenic for Marfan syndrome; Familial thoracic aortic aneurysm and aortic dissection. Last evaluated: 2018-03-28. Review status: criteria provided, single submitter. Criteria: Invitae Variant Classification Sherloc (09022015). Collection method: clinical testing. Allele origin: germline.
Comment: This sequence change creates a premature translational stop signal (p.Arg650Valfs*68) in the FBN1 gene. It is expected to result in an absent or disrupted protein product. This variant is not present in population databases (ExAC no frequency). This variant has not been reported in the literature in individuals with FBN1-related disease. Algorithms developed to predict the effect of sequence changes on RNA splicing suggest that this variant may create or strengthen a splice site, but this prediction has not been confirmed by published transcriptional studies. Loss-of-function variants in FBN1 are known to be pathogenic (PMID: 17657824, 19293843). For these reasons, this variant has been classified as Pathogenic.

Literature cited by the submitters: PubMed 17657824; PubMed 19293843.

NM_000138.5(FBN1):c.1948del (p.Arg650fs)

Gene: FBN1 (fibrillin 1; minus strand). Cytogenetic location: 15q21.1.
Variant type: Deletion.
Coding change: c.1948del on transcript NM_000138.5 (MANE Select); coding-DNA position 1948, one base deleted (C; older notation c.1948delC).
Protein change: p.Arg650fs; shifts the reading frame from arginine 650.
Molecular consequence: frameshift variant.
Genome position (GRCh38, 1-based): chr15:48,505,037, G deleted on the plus strand (C on the coding strand, the reverse complement: FBN1 is on the minus strand); the first of 2 consecutive G bases (chr15:48,505,037-48,505,038); deleting either gives the same sequence. VCF-style (leftmost placement, unchanged base first): chr15-48505036-CG-C. GRCh37 (hg19) VCF-style: chr15-48797233-CG-C.
Other names: c.1948delC (NM_000138.4); short protein forms R650fs.
Identifiers: ClinVar variation 581142 (VCV000581142.2), dbSNP rs1566913982, ClinGen allele CA891844029.